The following is an entry in ClinVar:

NM_001371727.1(GABRB2):c.1243A>G (p.Met415Val)

Gene: GABRB2 (gamma-aminobutyric acid type A receptor subunit beta2; minus strand). Cytogenetic location: 5q34.
Variant type: single nucleotide variant.
Coding change: c.1243A>G on transcript NM_001371727.1 (MANE Select); coding-DNA position 1243, A replaced by G.
Protein change: p.Met415Val; replaces methionine 415 with valine.
Molecular consequence: missense variant.
Genome position (GRCh38, 1-based): chr5:161,294,377, T>C on the plus strand (A>G on the coding strand, the complement: GABRB2 is on the minus strand). VCF-style: chr5-161294377-T-C. GRCh37 (hg19) VCF-style: chr5-160721384-T-C.
Other names: c.1129A>G, p.Met377Val (NM_000813.3); c.1243A>G, p.Met415Val (NM_021911.3); short protein forms M377V, M415V.
Identifiers: ClinVar variation 1014031 (VCV001014031.13), dbSNP rs1338788033, ClinGen allele CA362173554.
Genomic context (GRCh38, chr5:161,294,377, plus strand): 5'-CATAGGCTAGCATTGTGCTTCTGGGGTCTCCAAGTCCCATCACAGCCTCAGATGTGGCCA[T>C]TTCATTTTTTATCTCGAGAGTGCTCAGTAAGATGTTCTCATGGGGGTCCATCTGCAAGGG-3'
Protein context (NP_001358656.1, residues 405-425): LLSTLEIKNE[Met415Val]ATSEAVMGLG

ClinVar aggregate classification (germline): Uncertain significance (1 of 4 stars; one submission).

Conditions:
Intellectual disability. Also called: Intellectual functioning disability; intellectual disabilities; Intellectual developmental disorder. Identifiers: MedGen C3714756, MeSH D008607, MONDO:0001071, HP:0001249.

Allele frequency attached by ClinVar (database versions not stated): gnomAD exomes below 0.00001.
gnomAD v4.1: 2 of 1,614,080 alleles (0.00012%); highest among the groups gnomAD compares: African/African-American, 0.0027%; no homozygotes.

Submission:

Labcorp Genetics (formerly Invitae), Labcorp
Classification: Uncertain significance for Intellectual disability. Last evaluated: 2024-02-24. Review status: criteria provided, single submitter. Criteria: Invitae Variant Classification Sherloc (09022015). Collection method: clinical testing. Allele origin: germline.
Comment: This sequence change replaces methionine, which is neutral and non-polar, with valine, which is neutral and non-polar, at codon 415 of the GABRB2 protein (p.Met415Val). This variant is present in population databases (no rsID available, gnomAD 0.0009%). This variant has not been reported in the literature in individuals affected with GABRB2-related conditions. ClinVar contains an entry for this variant (Variation ID: 1014031). Advanced modeling of protein sequence and biophysical properties (such as structural, functional, and spatial information, amino acid conservation, physicochemical variation, residue mobility, and thermodynamic stability) performed at Invitae indicates that this missense variant is not expected to disrupt GABRB2 protein function with a negative predictive value of 95%. In summary, the available evidence is currently insufficient to determine the role of this variant in disease. Therefore, it has been classified as a Variant of Uncertain Significance.